The following is an entry in ClinVar:

ClinVar aggregate classification (germline): Conflicting classifications of pathogenicity. Review status: criteria provided, conflicting classifications (1 of 4 stars). 7 submissions from 7 submitters: Uncertain significance (6); Likely benign (1). Last evaluated 2025-12-18.

Conditions:
Cardiovascular phenotype. Identifiers: MedGen CN230736.
Naxos disease (NXD). Also called: CARDIOMYOPATHY, ARRHYTHMOGENIC RIGHT VENTRICULAR, WITH SKIN, HAIR, AND NAIL ABNORMALITIES; WOOLLY HAIR, PALMOPLANTAR KERATODERMA, AND CARDIAC ABNORMALITIES; KERATOSIS PALMOPLANTARIS WITH ARRHYTHMOGENIC CARDIOMYOPATHY; MAL DE NAXOS; PALMOPLANTAR KERATODERMA WITH ARRHYTHMOGENIC RIGHT VENTRICULAR CARDIOMYOPATHY AND WOOLLY HAIR. Identifiers: Orphanet 34217, MedGen C1832600, MONDO:0011017, OMIM 601214.
Arrhythmogenic right ventricular dysplasia 12. Also called: ARRHYTHMOGENIC RIGHT VENTRICULAR DYSPLASIA, FAMILIAL, 12. Identifiers: MedGen C1969081, MONDO:0012684, OMIM 611528.

Allele frequency attached by ClinVar (database versions not stated): TOPMed 0.00002; gnomAD 0.00004 and 0.00005.
gnomAD v4.1: 58 of 1,606,120 alleles (0.0036%); highest among the groups gnomAD compares: South Asian, 0.009%; no homozygotes.

Submissions (7):

Mayo Clinic Laboratories, Mayo Clinic
Classification: Uncertain significance. Last evaluated: 2025-12-18. Review status: criteria provided, single submitter. Criteria: ACMG Guidelines, 2015. Collection method: clinical testing. Allele origin: germline. Observed: 1 variant allele.

Ambry Genetics
Classification: Likely benign for Cardiovascular phenotype. Last evaluated: 2025-08-04. Review status: criteria provided, single submitter. Criteria: Ambry Variant Classification Scheme 2023. Collection method: clinical testing. Allele origin: germline.

GeneDx
Classification: Uncertain significance. Last evaluated: 2024-12-05. Review status: criteria provided, single submitter. Criteria: GeneDx Variant Classification Process June 2021. Collection method: clinical testing. Allele origin: germline. Affected: yes.
Comment: In silico analysis supports that this missense variant has a deleterious effect on protein structure/function; This variant is associated with the following publications: (PMID: 38254962)

Blueprint Genetics
Classification: Uncertain significance. Last evaluated: 2024-11-07. Review status: criteria provided, single submitter. Criteria: ACMG Guidelines, 2015. Collection method: clinical testing. Allele origin: germline.

Labcorp Genetics (formerly Invitae), Labcorp
Classification: Uncertain significance for Arrhythmogenic right ventricular dysplasia 12; Naxos disease. Last evaluated: 2024-10-22. Review status: criteria provided, single submitter. Criteria: Invitae Variant Classification Sherloc (09022015). Collection method: clinical testing. Allele origin: germline.
Comment: This sequence change replaces arginine, which is basic and polar, with glutamine, which is neutral and polar, at codon 86 of the JUP protein (p.Arg86Gln). This variant is present in population databases (rs782341732, gnomAD 0.01%). This variant has not been reported in the literature in individuals affected with JUP-related conditions. ClinVar contains an entry for this variant (Variation ID: 392175). An algorithm developed to predict the effect of missense changes on protein structure and function (PolyPhen-2) suggests that this variant is likely to be tolerated. In summary, the available evidence is currently insufficient to determine the role of this variant in disease. Therefore, it has been classified as a Variant of Uncertain Significance.

Clinical Genetics Laboratory, Skane University Hospital Lund
Classification: Uncertain significance. Last evaluated: 2022-12-07. Review status: criteria provided, single submitter. Criteria: ACMG Guidelines, 2015. Collection method: clinical testing. Allele origin: germline. Affected: yes.

Breakthrough Genomics
Classification: Uncertain significance. Review status: criteria provided, single submitter. Criteria: ACMG Guidelines, 2015. Collection method: not provided. Allele origin: germline. Inheritance: Autosomal recessive inheritance. Affected: yes.

NM_002230.4(JUP):c.257G>A (p.Arg86Gln)

Gene: JUP (junction plakoglobin; minus strand). Cytogenetic location: 17q21.2.
Variant type: single nucleotide variant.
Coding change: c.257G>A on transcript NM_002230.4 (MANE Select); coding-DNA position 257, G replaced by A.
Protein change: p.Arg86Gln; replaces arginine 86 with glutamine.
Molecular consequence: missense variant.
Genome position (GRCh38, 1-based): chr17:41,769,629, C>T on the plus strand (G>A on the coding strand, the complement: JUP is on the minus strand). VCF-style: chr17-41769629-C-T. GRCh37 (hg19) VCF-style: chr17-39925881-C-T.
Other names: p.Arg86Gln; c.257G>A, p.Arg86Gln (NM_001352773.2, NM_001352774.2, NM_001352775.2 and 3 more transcripts); short protein forms R86Q.
Identifiers: ClinVar variation 392175 (VCV000392175.15), dbSNP rs782341732, ClinGen allele CA8565535.
Genomic context (GRCh38, chr17:41,769,629, plus strand): 5'-ACCTGGGTGGCCAGCAGAAGCGAGCTGTCCTCGCCTGACACACCAGGGCACATGGCCTCC[C>T]GCACCCGTTTGGCCCTGGCTGTTGTGGACATCTGGTACTCCAGATCACCTGGGGGCCATG-3'
Protein context (NP_002221.1, residues 76-96): MSTTARAKRV[Arg86Gln]EAMCPGVSGE